The following is an entry in ClinVar:

NM_001267550.2(TTN):c.70473A>G (p.Lys23491=)

Genes: TTN-AS1 (TTN antisense RNA 1; plus strand), TTN (titin; minus strand), LOC126806422 (BRD4-independent group 4 enhancer GRCh37_chr2:179440205-179441404; plus strand). Cytogenetic location: 2q31.2.
Variant type: single nucleotide variant.
Coding change: c.70473A>G on transcript NM_001267550.2 (MANE Select); coding-DNA position 70473, A replaced by G.
Protein change: p.Lys23491=; no amino-acid change (lysine 23491 retained).
Molecular consequence: synonymous variant.
Genome position (GRCh38, 1-based): chr2:178,575,659, T>C on the plus strand (A>G on the coding strand, the complement: TTN is on the minus strand). VCF-style: chr2-178575659-T-C. GRCh37 (hg19) VCF-style: chr2-179440386-T-C.
Other names: c.62769A>G, p.Lys20923= (NM_133378.4); c.65550A>G, p.Lys21850= (NM_001256850.1); c.43278A>G, p.Lys14426= (NM_003319.4); c.43653A>G, p.Lys14551= (NM_133432.3); c.43854A>G, p.Lys14618= (NM_133437.4).
Identifiers: ClinVar variation 47285 (VCV000047285.8), dbSNP rs397517685, ClinGen allele CA140574.
Genomic context (GRCh38, chr2:178,575,659, plus strand): 5'-TGCCATCACTCTGAAGAAATATTCACACCCTTCAGACAAGCCGGTAACTTTATATGTGCA[T>C]TTATGGCACTTAGTGGTGGCTGTGGAATAAGATTTCCGTGTTGCTTCACGTTTCTCTACA-3'
Protein context (NP_001254479.2, residues 23481-23501): SYSTATTKCH[Lys23491=]CTYKVTGLSE

ClinVar aggregate classification (germline): Likely benign. Review status: criteria provided, multiple submitters, no conflicts (2 of 4 stars). 2 submissions from 2 submitters: Likely benign (2). Last evaluated 2024-04-27.

Conditions:
Dilated cardiomyopathy 1G (CMD1G). Identifiers: Orphanet 154, MedGen C1858763, MONDO:0011400, OMIM 604145.
Autosomal recessive limb-girdle muscular dystrophy type 2J (LGMDR10). Also called: Limb-girdle muscular dystrophy, type 2J; MUSCULAR DYSTROPHY, LIMB-GIRDLE, AUTOSOMAL RECESSIVE 10. Identifiers: Orphanet 140922, MedGen C1837342, MONDO:0012127, OMIM 608807.

Allele frequency attached by ClinVar (database versions not stated): gnomAD below 0.00001 and 0.00001; ExAC 0.00003; gnomAD exomes 0.00003 and 0.00004.
gnomAD v4.1: 19 of 1,613,492 alleles (0.0012%); highest among the groups gnomAD compares: South Asian, 0.021%; no homozygotes.

Submissions (2):

Labcorp Genetics (formerly Invitae), Labcorp
Classification: Likely benign for Dilated cardiomyopathy 1G; Autosomal recessive limb-girdle muscular dystrophy type 2J. Last evaluated: 2024-04-27. Review status: criteria provided, single submitter. Criteria: Invitae Variant Classification Sherloc (09022015). Collection method: clinical testing. Allele origin: germline.

Laboratory for Molecular Medicine, Mass General Brigham Personalized Medicine
Classification: Likely benign. Last evaluated: 2012-08-22. Review status: criteria provided, single submitter. Criteria: LMM Criteria. Collection method: clinical testing. Allele origin: germline. Observed: 1 variant allele.
Comment: Lys20923Lys in exon 275 of TTN: This variant is not expected to have clinical si gnificance because it does not alter an amino acid residue and is not located wi thin the splice consensus sequence. Lys20923Lys in exon 275 of TTN (allele freq uency = n/a)